The following is an entry in ClinVar:

NM_004168.4(SDHA):c.1435G>A (p.Asp479Asn)

Gene: SDHA (succinate dehydrogenase complex flavoprotein subunit A; plus strand). Cytogenetic location: 5p15.33.
Variant type: single nucleotide variant.
Coding change: c.1435G>A on transcript NM_004168.4 (MANE Select); coding-DNA position 1435, G replaced by A.
Protein change: p.Asp479Asn; replaces aspartic acid 479 with asparagine.
Molecular consequence: missense variant.
Genome position (GRCh38, 1-based): chr5:240,360, G>A. VCF-style: chr5-240360-G-A. GRCh37 (hg19) VCF-style: chr5-240475-G-A.
Other names: c.1291G>A, p.Asp431Asn (NM_001294332.2); c.1435G>A, p.Asp479Asn (NM_001330758.2); short protein forms D431N, D479N.
Identifiers: ClinVar variation 4793307 (VCV004793307.1).

ClinVar aggregate classification (germline): Uncertain significance (1 of 4 stars; one submission).

Conditions:
Mitochondrial complex II deficiency, nuclear type 1. Also called: SUCCINATE CoQ REDUCTASE DEFICIENCY. Identifiers: Orphanet 3208, MedGen C5700310, MONDO:0100294, OMIM 252011.
Pheochromocytoma/paraganglioma syndrome 5. Also called: Paragangliomas 5; SDHA-Related Hereditary Paraganglioma-Pheochromocytoma Syndrome. Identifiers: Orphanet 29072, MedGen C3279992, MONDO:0013602, OMIM 614165.

Submission:

Labcorp Genetics (formerly Invitae), Labcorp
Classification: Uncertain significance for Pheochromocytoma/paraganglioma syndrome 5; Mitochondrial complex II deficiency, nuclear type 1. Last evaluated: 2025-06-18. Review status: criteria provided, single submitter. Criteria: Invitae Variant Classification Sherloc (09022015). Collection method: clinical testing. Allele origin: germline.
Comment: This sequence change replaces aspartic acid, which is acidic and polar, with asparagine, which is neutral and polar, at codon 479 of the SDHA protein (p.Asp479Asn). This variant is not present in population databases (gnomAD no frequency). This variant has not been reported in the literature in individuals affected with SDHA-related conditions. An algorithm developed to predict the effect of missense changes on protein structure and function (PolyPhen-2) suggests that this variant is likely to be tolerated. In summary, the available evidence is currently insufficient to determine the role of this variant in disease. Therefore, it has been classified as a Variant of Uncertain Significance.